The following is an entry in ClinVar:

NM_020964.3(EPG5):c.1814C>T (p.Thr605Ile)

Gene: EPG5 (ectopic P-granules 5 autophagy tethering factor; minus strand). Cytogenetic location: 18q21.1.
Variant type: single nucleotide variant.
Coding change: c.1814C>T on transcript NM_020964.3 (MANE Select); coding-DNA position 1814, C replaced by T.
Protein change: p.Thr605Ile; replaces threonine 605 with isoleucine.
Molecular consequence: missense variant.
Genome position (GRCh38, 1-based): chr18:45,943,290, G>A on the plus strand (C>T on the coding strand, the complement: EPG5 is on the minus strand). VCF-style: chr18-45943290-G-A. GRCh37 (hg19) VCF-style: chr18-43523256-G-A.
Other names: c.1814C>T (NM_020964.2); short protein forms T605I.
Identifiers: ClinVar variation 1022369 (VCV001022369.8), dbSNP rs371526822, ClinGen allele CA8949596.

ClinVar aggregate classification (germline): Uncertain significance. Review status: criteria provided, multiple submitters, no conflicts (2 of 4 stars). 2 submissions from 2 submitters: Uncertain significance (2). Last evaluated 2025-05-13.

Conditions:
Vici syndrome (VICIS). Identifiers: Orphanet 1493, MedGen C1855772, MONDO:0009452, OMIM 242840.
Inborn genetic diseases. Identifiers: MedGen C0950123, MeSH D030342.

Allele frequency attached by ClinVar (database versions not stated): ESP Exome Variant Server 0.00008; ExAC 0.00001; gnomAD exomes 0.00001; gnomAD 0.00002; TOPMed 0.00002.
gnomAD v4.1: 13 of 1,613,832 alleles (0.00081%); highest among the groups gnomAD compares: African/African-American, 0.0013%; no homozygotes.

Submissions (2):

Ambry Genetics
Classification: Uncertain significance for Inborn genetic diseases. Last evaluated: 2025-05-13. Review status: criteria provided, single submitter. Criteria: Ambry Variant Classification Scheme 2023. Collection method: clinical testing. Allele origin: germline.

Labcorp Genetics (formerly Invitae), Labcorp
Classification: Uncertain significance for Vici syndrome. Last evaluated: 2022-06-20. Review status: criteria provided, single submitter. Criteria: Invitae Variant Classification Sherloc (09022015). Collection method: clinical testing. Allele origin: germline.
Comment: This sequence change replaces threonine, which is neutral and polar, with isoleucine, which is neutral and non-polar, at codon 605 of the EPG5 protein (p.Thr605Ile). This variant is present in population databases (rs371526822, gnomAD 0.007%). This variant has not been reported in the literature in individuals affected with EPG5-related conditions. ClinVar contains an entry for this variant (Variation ID: 1022369). Algorithms developed to predict the effect of missense changes on protein structure and function are either unavailable or do not agree on the potential impact of this missense change (SIFT: "Tolerated"; PolyPhen-2: "Probably Damaging"; Align-GVGD: "Class C0"). In summary, the available evidence is currently insufficient to determine the role of this variant in disease. Therefore, it has been classified as a Variant of Uncertain Significance.